The following is an entry in ClinVar:

NM_020975.6(RET):c.2251G>A (p.Gly751Arg)

Gene: RET (ret proto-oncogene; plus strand). Cytogenetic location: 10q11.21.
Variant type: single nucleotide variant.
Coding change: c.2251G>A on transcript NM_020975.6 (MANE Select); coding-DNA position 2251, G replaced by A.
Protein change: p.Gly751Arg; replaces glycine 751 with arginine.
Molecular consequence: missense variant.
Genome position (GRCh38, 1-based): chr10:43,116,698, G>A. VCF-style: chr10-43116698-G-A. GRCh37 (hg19) VCF-style: chr10-43612146-G-A.
Other names: c.2251G>A, p.Gly751Arg (NM_000323.2, NM_001406743.1, NM_001406744.1 and 4 more transcripts); c.1489G>A, p.Gly497Arg (NM_001355216.2); c.2122G>A, p.Gly708Arg (NM_001406761.1, NM_001406762.1, NM_001406764.1); c.2116G>A, p.Gly706Arg (NM_001406763.1, NM_001406765.1); c.1963G>A, p.Gly655Arg (NM_001406766.1, NM_001406767.1, NM_001406770.1); c.1987G>A, p.Gly663Arg (NM_001406768.1); c.1855G>A, p.Gly619Arg (NM_001406769.1, NM_001406772.1); c.1813G>A, p.Gly605Arg (NM_001406771.1, NM_001406773.1); and 10 more; short protein forms G497R, G751R, G268R, G409R, G421R, G452R, G576R, G655R.
Identifiers: ClinVar variation 639162 (VCV000639162.7), dbSNP rs756163867, ClinGen allele CA376554762.

ClinVar aggregate classification (germline): Uncertain significance (1 of 4 stars; one submission).

Conditions:
Multiple endocrine neoplasia, type 2 (MEN2). Identifiers: Orphanet 653, MedGen C4048306, MONDO:0019003. Disease mechanism: gain of function.

Submission:

Labcorp Genetics (formerly Invitae), Labcorp
Classification: Uncertain significance for Multiple endocrine neoplasia, type 2. Last evaluated: 2022-07-26. Review status: criteria provided, single submitter. Criteria: Invitae Variant Classification Sherloc (09022015). Collection method: clinical testing. Allele origin: germline.
Comment: This sequence change replaces glycine, which is neutral and non-polar, with arginine, which is basic and polar, at codon 751 of the RET protein (p.Gly751Arg). This variant is not present in population databases (gnomAD no frequency). This variant has not been reported in the literature in individuals affected with RET-related conditions. ClinVar contains an entry for this variant (Variation ID: 639162). Algorithms developed to predict the effect of missense changes on protein structure and function are either unavailable or do not agree on the potential impact of this missense change (SIFT: "Deleterious"; PolyPhen-2: "Probably Damaging"; Align-GVGD: "Class C15"). Algorithms developed to predict the effect of sequence changes on RNA splicing suggest that this variant may create or strengthen a splice site. In summary, the available evidence is currently insufficient to determine the role of this variant in disease. Therefore, it has been classified as a Variant of Uncertain Significance.